The following is an entry in ClinVar:

NM_001039876.3(SYNE4):c.523G>C (p.Ala175Pro)

Gene: SYNE4 (spectrin repeat containing nuclear envelope family member 4; minus strand). Cytogenetic location: 19q13.12.
Variant type: single nucleotide variant.
Coding change: c.523G>C on transcript NM_001039876.3 (MANE Select); coding-DNA position 523, G replaced by C.
Protein change: p.Ala175Pro; replaces alanine 175 with proline.
Molecular consequence: missense variant. On other transcripts: intron variant (1).
Genome position (GRCh38, 1-based): chr19:36,006,845, C>G on the plus strand (G>C on the coding strand, the complement: SYNE4 is on the minus strand). VCF-style: chr19-36006845-C-G. GRCh37 (hg19) VCF-style: chr19-36497747-C-G.
Other names: c.280-174G>C (NM_001297735.3); short protein forms A175P.
Identifiers: ClinVar variation 227086 (VCV000227086.15), dbSNP rs77925409, ClinGen allele CA9393912.

ClinVar aggregate classification (germline): Benign/Likely benign. Review status: criteria provided, multiple submitters, no conflicts (2 of 4 stars). 5 submissions from 5 submitters: Benign (3); Likely benign (2). Last evaluated 2026-02-01.

Allele frequency attached by ClinVar (database versions not stated): gnomAD exomes 0.00652; ExAC 0.01210; ESP Exome Variant Server 0.02496; gnomAD 0.02583 and 0.02760; 1000 Genomes Project 0.02796; TOPMed 0.02912; 1000 Genomes Project 30x 0.03170.
gnomAD v4.1: 7,603 of 1,592,706 alleles (0.48%); highest among the groups gnomAD compares: African/African-American, 9%; 290 homozygotes.

Submissions (5):

Labcorp Genetics (formerly Invitae), Labcorp
Classification: Benign. Last evaluated: 2026-02-01. Review status: criteria provided, single submitter. Criteria: Invitae Variant Classification Sherloc (09022015). Collection method: clinical testing. Allele origin: germline.

Women's Health and Genetics/Laboratory Corporation of America, LabCorp
Classification: Likely benign. Last evaluated: 2021-12-10. Review status: criteria provided, single submitter. Criteria: LabCorp Variant Classification Summary - May 2015. Collection method: clinical testing. Allele origin: germline.

GeneDx
Classification: Benign. Last evaluated: 2018-01-26. Review status: criteria provided, single submitter. Criteria: GeneDx Variant Classification (06012015). Collection method: clinical testing. Allele origin: germline. Affected: yes.
Comment: This variant is considered likely benign or benign based on one or more of the following criteria: it is a conservative change, it occurs at a poorly conserved position in the protein, it is predicted to be benign by multiple in silico algorithms, and/or has population frequency not consistent with disease.

Laboratory for Molecular Medicine, Mass General Brigham Personalized Medicine
Classification: Benign. Last evaluated: 2014-11-24. Review status: criteria provided, single submitter. Criteria: LMM Criteria. Collection method: clinical testing. Allele origin: germline. Observed: 15 variant alleles.
Comment: Ala175Pro in exon 4 of SYNE4: This variant is not expected to have clinical sign ificance because it has been identified in 7.4% (304/4096) of African American c hromosomes from a broad population by the NHLBI Exome Sequencing Project (dbSNP rs77925409).

Breakthrough Genomics
Classification: Likely benign. Review status: criteria provided, single submitter. Criteria: ACMG Guidelines, 2015. Collection method: not provided. Allele origin: germline. Inheritance: Autosomal recessive inheritance. Affected: yes.